The following is an entry in ClinVar:

NM_020806.5(GPHN):c.1918ACA[1] (p.Thr641del)

Gene: GPHN (gephyrin; plus strand). Cytogenetic location: 14q23.3.
Variant type: Microsatellite.
Coding change: c.1918ACA[1] on transcript NM_020806.5 (MANE Select); one copy of the 3-base unit ACA starting at c.1918; the reference has two copies in a row; one copy, 3 bases deleted.
Protein change: p.Thr641del; deletes threonine 641.
Molecular consequence: inframe deletion.
Genome position (GRCh38, 1-based): chr14:67,165,172-67,165,174, ACA deleted; deleting any 3 consecutive bases within chr14:67,165,167-67,165,174 gives the same sequence; the position shown is the placement nearest the transcript's 3' end. VCF-style (leftmost placement, unchanged base first): chr14-67165166-CCAA-C. GRCh37 (hg19) VCF-style: chr14-67631883-CCAA-C.
Other names: c.1819ACA[1], p.Thr608del (NM_001024218.2); c.1978ACA[1], p.Thr661del (NM_001377514.1); c.1948ACA[1], p.Thr651del (NM_001377515.1); c.1939ACA[1], p.Thr648del (NM_001377516.1); c.1891ACA[1], p.Thr632del (NM_001377517.1); c.1876ACA[1], p.Thr627del (NM_001377518.1); c.1858ACA[1], p.Thr621del (NM_001377519.1); short protein forms T651del, T661del, T608del, T632del, T621del, T627del, T641del, T648del.
Identifiers: ClinVar variation 2021127 (VCV002021127.4), dbSNP rs2544240572, ClinGen allele CA2580612781.
Genomic context (GRCh38, chr14:67,165,166, plus strand): 5'-ATGTATTCATCATATTGCTTAGCAATCACTAACAAGTGACTCTTTTTTTCTTCTAGCTTG[CCAA>C]CAACATTTGCAACTTTGGATATTGATGGTGTAAGAAAAATAATCTTTGCACTACCTGGTA-3'

ClinVar aggregate classification (germline): Uncertain significance (1 of 4 stars; one submission).

Conditions:
Sulfite oxidase deficiency due to molybdenum cofactor deficiency type C. Also called: Molybdenum cofactor deficiency, complementation group C; Molybdenum cofactor deficiency C. Identifiers: Orphanet 308400, Orphanet 833, MedGen C1854990, MONDO:0014212, OMIM 615501.

Submission:

Labcorp Genetics (formerly Invitae), Labcorp
Classification: Uncertain significance for Sulfite oxidase deficiency due to molybdenum cofactor deficiency type C. Last evaluated: 2022-10-25. Review status: criteria provided, single submitter. Criteria: Invitae Variant Classification Sherloc (09022015). Collection method: clinical testing. Allele origin: germline.
Comment: This variant has not been reported in the literature in individuals affected with GPHN-related conditions. This variant, c.1921_1923del, results in the deletion of 1 amino acid(s) of the GPHN protein (p.Thr641del), but otherwise preserves the integrity of the reading frame. This variant is not present in population databases (gnomAD no frequency). Experimental studies and prediction algorithms are not available or were not evaluated, and the functional significance of this variant is currently unknown. In summary, the available evidence is currently insufficient to determine the role of this variant in disease. Therefore, it has been classified as a Variant of Uncertain Significance.